The following is an entry in ClinVar:

NM_001378964.1(CDON):c.3099C>T (p.His1033=)

Gene: CDON (cell adhesion associated, oncogene regulated; minus strand). Cytogenetic location: 11q24.2.
Variant type: single nucleotide variant.
Coding change: c.3099C>T on transcript NM_001378964.1 (MANE Select); coding-DNA position 3099, C replaced by T.
Protein change: p.His1033=; no amino-acid change (histidine 1033 retained).
Molecular consequence: synonymous variant.
Genome position (GRCh38, 1-based): chr11:125,981,226, G>A on the plus strand (C>T on the coding strand, the complement: CDON is on the minus strand). VCF-style: chr11-125981226-G-A. GRCh37 (hg19) VCF-style: chr11-125851121-G-A.
Other names: c.3099C>T, p.His1033= (NM_001243597.3, NM_016952.6).
Identifiers: ClinVar variation 1594418 (VCV001594418.10), dbSNP rs202230295, ClinGen allele CA6351511.

ClinVar aggregate classification (germline): Likely benign. Review status: criteria provided, single submitter (1 of 4 stars). 2 submissions from 2 submitters: Likely benign (1). 1 of the submissions does not count toward it. Last evaluated 2024-08-07.

Conditions:
Holoprosencephaly 11 (HPE11). Identifiers: Orphanet 2162, MedGen C3280215, MONDO:0013642, OMIM 614226.
CDON-related disorder. Also called: CDON-related condition.

Allele frequency attached by ClinVar (database versions not stated): TOPMed 0.00004; gnomAD exomes 0.00008 and 0.00010; ExAC 0.00010; gnomAD 0.00013 and 0.00014; 1000 Genomes Project 30x 0.00016; 1000 Genomes Project 0.00020.
gnomAD v4.1: 143 of 1,614,140 alleles (0.0089%); highest among the groups gnomAD compares: Non-Finnish European, 0.0083%; 1 homozygote.

Submissions (2):

Labcorp Genetics (formerly Invitae), Labcorp
Classification: Likely benign for Holoprosencephaly 11. Last evaluated: 2024-08-07. Review status: criteria provided, single submitter. Criteria: Invitae Variant Classification Sherloc (09022015). Collection method: clinical testing. Allele origin: germline.

PreventionGenetics, part of Exact Sciences
Classification: Likely benign for CDON-related condition. Last evaluated: 2019-07-11. Review status: no assertion criteria provided. Collection method: clinical testing. Allele origin: germline. Not counted in ClinVar's aggregate classification.
Comment: This variant is classified as likely benign based on ACMG/AMP sequence variant interpretation guidelines (Richards et al. 2015 PMID: 25741868, with internal and published modifications).